The following is an entry in ClinVar:

NC_000009.11:g.(?_103002531)_(103006718_?)del

Gene: INVS (inversin; plus strand). Cytogenetic location: 9q31.1.
Variant type: Deletion.
Identifiers: ClinVar variation 3245131 (VCV003245131.1).

ClinVar aggregate classification (germline): Pathogenic (1 of 4 stars; one submission).

Conditions:
Nephronophthisis. Also called: Juvenile Nephronophthisis. Identifiers: Orphanet 655, MedGen C0687120, MONDO:0019005, HP:0000090.

Submission:

Labcorp Genetics (formerly Invitae), Labcorp
Classification: Pathogenic for Nephronophthisis. Last evaluated: 2023-03-01. Review status: criteria provided, single submitter. Criteria: Invitae Variant Classification Sherloc (09022015). Collection method: clinical testing. Allele origin: unknown.
Comment: This variant is a gross deletion of the genomic region encompassing exon(s) 7 of the INVS gene. This deletion is out-of-frame, and is expected to create a premature termination codon and result in an absent or disrupted protein product. Loss-of-function variants in INVS are known to be pathogenic (PMID: 12872123). This variant has not been reported in the literature in individuals affected with INVS-related conditions. For these reasons, this variant has been classified as Pathogenic.

Literature cited by the submitters: PubMed 12872123.